The following is an entry in ClinVar:

NM_022367.4(SEMA4A):c.1838T>C (p.Ile613Thr)

Gene: SEMA4A (semaphorin 4A; plus strand). Cytogenetic location: 1q22.
Variant type: single nucleotide variant.
Coding change: c.1838T>C on transcript NM_022367.4 (MANE Select); coding-DNA position 1838, T replaced by C.
Protein change: p.Ile613Thr; replaces isoleucine 613 with threonine.
Molecular consequence: missense variant.
Genome position (GRCh38, 1-based): chr1:156,176,549, T>C. VCF-style: chr1-156176549-T-C. GRCh37 (hg19) VCF-style: chr1-156146340-T-C.
Other names: c.1838T>C, p.Ile613Thr (NM_001193300.2, NM_001193301.2, NM_001370567.1); c.1442T>C, p.Ile481Thr (NM_001193302.2); c.1541T>C, p.Ile514Thr (NM_001370568.1); c.1331T>C, p.Ile444Thr (NM_001370569.1, NM_001370571.1); short protein forms I444T, I481T, I514T, I613T.
Identifiers: ClinVar variation 1718132 (VCV001718132.5), dbSNP rs372911558, ClinGen allele CA31004398.
Genomic context (GRCh38, chr1:156,176,549, plus strand): 5'-ATGGCCCAGCAGCAGTCCCAGAAGCCTCTTCCACTGTCTACAATGGCTCCCTCTTGCTGA[T>C]AGTGCAGGATGGAGTTGGGGGTCTCTACCAGTGCTGGGCAACTGAGAATGGCTTTTCATA-3'
Protein context (NP_071762.2, residues 603-623): STVYNGSLLL[Ile613Thr]VQDGVGGLYQ

ClinVar aggregate classification (germline): Uncertain significance (1 of 4 stars; one submission).

Allele frequency attached by ClinVar (database versions not stated): gnomAD exomes below 0.00001; ESP Exome Variant Server 0.00008.
gnomAD v4.1: 1 of 1,614,178 alleles (0.000062%); highest among the groups gnomAD compares: Non-Finnish European, 0.000085%; no homozygotes.

Submission:

Labcorp Genetics (formerly Invitae), Labcorp
Classification: Uncertain significance. Last evaluated: 2023-02-25. Review status: criteria provided, single submitter. Criteria: Invitae Variant Classification Sherloc (09022015). Collection method: clinical testing. Allele origin: germline.
Comment: This variant is present in population databases (rs372911558, gnomAD 0.0009%). Advanced modeling of protein sequence and biophysical properties (such as structural, functional, and spatial information, amino acid conservation, physicochemical variation, residue mobility, and thermodynamic stability) performed at Invitae indicates that this missense variant is not expected to disrupt SEMA4A protein function. ClinVar contains an entry for this variant (Variation ID: 1718132). This variant has not been reported in the literature in individuals affected with SEMA4A-related conditions. In summary, the available evidence is currently insufficient to determine the role of this variant in disease. Therefore, it has been classified as a Variant of Uncertain Significance. This sequence change replaces isoleucine, which is neutral and non-polar, with threonine, which is neutral and polar, at codon 613 of the SEMA4A protein (p.Ile613Thr).